The following is an entry in ClinVar:

ClinVar aggregate classification (germline): Uncertain significance (1 of 4 stars; one submission).

Submission:

Labcorp Genetics (formerly Invitae), Labcorp
Classification: Uncertain significance. Last evaluated: 2023-01-19. Review status: criteria provided, single submitter. Criteria: Invitae Variant Classification Sherloc (09022015). Collection method: clinical testing. Allele origin: germline.
Comment: This variant has not been reported in the literature in individuals affected with PRPF3-related conditions. In summary, the available evidence is currently insufficient to determine the role of this variant in disease. Therefore, it has been classified as a Variant of Uncertain Significance. Algorithms developed to predict the effect of missense changes on protein structure and function (SIFT, PolyPhen-2, Align-GVGD) all suggest that this variant is likely to be tolerated. This variant is not present in population databases (gnomAD no frequency). This sequence change replaces aspartic acid, which is acidic and polar, with asparagine, which is neutral and polar, at codon 98 of the PRPF3 protein (p.Asp98Asn).

NM_004698.4(PRPF3):c.292G>A (p.Asp98Asn)

Gene: PRPF3 (pre-mRNA processing factor 3; plus strand). Cytogenetic location: 1q21.2.
Variant type: single nucleotide variant.
Coding change: c.292G>A on transcript NM_004698.4 (MANE Select); coding-DNA position 292, G replaced by A.
Protein change: p.Asp98Asn; replaces aspartic acid 98 with asparagine.
Molecular consequence: missense variant. On other transcripts: 5 prime UTR variant (1), non-coding transcript variant (4).
Genome position (GRCh38, 1-based): chr1:150,328,335, G>A. VCF-style: chr1-150328335-G-A. GRCh37 (hg19) VCF-style: chr1-150300794-G-A.
Other names: c.-114G>A (NM_001350529.1); short protein forms D98N.
Identifiers: ClinVar variation 2798911 (VCV002798911.3), dbSNP rs2525078333, ClinGen allele CA342288186.